The following is an entry in ClinVar:

NM_025074.7(FRAS1):c.4959G>A (p.Pro1653=)

Gene: FRAS1 (Fraser extracellular matrix complex subunit 1; plus strand). Cytogenetic location: 4q21.21.
Variant type: single nucleotide variant.
Coding change: c.4959G>A on transcript NM_025074.7 (MANE Select); coding-DNA position 4959, G replaced by A.
Protein change: p.Pro1653=; no amino-acid change (proline 1653 retained).
Molecular consequence: synonymous variant.
Genome position (GRCh38, 1-based): chr4:78,430,407, G>A. VCF-style: chr4-78430407-G-A. GRCh37 (hg19) VCF-style: chr4-79351561-G-A.
Other names: c.4959G>A, p.Pro1653= (NM_001166133.2).
Identifiers: ClinVar variation 349721 (VCV000349721.14), dbSNP rs372154997, ClinGen allele CA2977371.

ClinVar aggregate classification (germline): Benign/Likely benign. Review status: criteria provided, multiple submitters, no conflicts (2 of 4 stars). 3 submissions from 3 submitters: Benign (1); Likely benign (1). 1 of the submissions does not count toward it. Last evaluated 2026-02-02.

Conditions:
FRAS1-related disorder. Also called: FRAS1-related condition.
Fraser syndrome 1 (FRASRS1). Also called: CRYPTOPHTHALMOS WITH OTHER MALFORMATIONS. Identifiers: Orphanet 2052, MedGen C4551480, MONDO:0054737, OMIM 219000.

Allele frequency attached by ClinVar (database versions not stated): gnomAD exomes 0.00037; ExAC 0.00047; gnomAD 0.00112; 1000 Genomes Project 0.00120; TOPMed 0.00127; ESP Exome Variant Server 0.00147; 1000 Genomes Project 30x 0.00156.
gnomAD v4.1: 596 of 1,612,932 alleles (0.037%); highest among the groups gnomAD compares: African/African-American, 0.45%; 3 homozygotes.

Submissions (3):

Labcorp Genetics (formerly Invitae), Labcorp
Classification: Benign. Last evaluated: 2026-02-02. Review status: criteria provided, single submitter. Criteria: Invitae Variant Classification Sherloc (09022015). Collection method: clinical testing. Allele origin: germline.

Illumina Laboratory Services, Illumina
Classification: Likely benign for Fraser syndrome 1. Last evaluated: 2018-01-13. Review status: criteria provided, single submitter. Criteria: ICSL Variant Classification Criteria 13 December 2019. Collection method: clinical testing. Allele origin: germline.
Comment: This variant was observed in the ICSL laboratory as part of a predisposition screen in an ostensibly healthy population. It had not been previously curated by ICSL or reported in the Human Gene Mutation Database (HGMD: prior to June 1st, 2018), and was therefore a candidate for classification through an automated scoring system. Utilizing variant allele frequency, disease prevalence and penetrance estimates, and inheritance mode, an automated score was calculated to assess if this variant is too frequent to cause the disease. Based on the score and internal cut-off values, a variant classified as likely benign is not then subjected to further curation. The score for this variant resulted in a classification of likely benign for this disease.

PreventionGenetics, part of Exact Sciences
Classification: Likely benign for FRAS1-related condition. Last evaluated: 2020-11-30. Review status: no assertion criteria provided. Collection method: clinical testing. Allele origin: germline. Not counted in ClinVar's aggregate classification.
Comment: This variant is classified as likely benign based on ACMG/AMP sequence variant interpretation guidelines (Richards et al. 2015 PMID: 25741868, with internal and published modifications).